The following is an entry in ClinVar:

NM_001904.4(CTNNB1):c.910T>G (p.Leu304Val)

Gene: CTNNB1 (catenin beta 1; plus strand). Cytogenetic location: 3p22.1.
Variant type: single nucleotide variant.
Coding change: c.910T>G on transcript NM_001904.4 (MANE Select); coding-DNA position 910, T replaced by G.
Protein change: p.Leu304Val; replaces leucine 304 with valine.
Molecular consequence: missense variant.
Genome position (GRCh38, 1-based): chr3:41,225,835, T>G. VCF-style: chr3-41225835-T-G. GRCh37 (hg19) VCF-style: chr3-41267326-T-G.
Other names: c.910T>G, p.Leu304Val (NM_001098209.2, NM_001098210.2); c.889T>G, p.Leu297Val (NM_001330729.2); short protein forms L297V, L304V.
Identifiers: ClinVar variation 3078652 (VCV003078652.2), dbSNP rs1187302576, ClinGen allele CA352230427.

ClinVar aggregate classification (germline): Uncertain significance (1 of 4 stars; one submission).

Conditions:
Inborn genetic diseases. Identifiers: MedGen C0950123, MeSH D030342.

Submission:

Ambry Genetics
Classification: Uncertain significance for Inborn genetic diseases. Last evaluated: 2024-04-11. Review status: criteria provided, single submitter. Criteria: Ambry Variant Classification Scheme 2023. Collection method: clinical testing. Allele origin: germline.
Comment: The c.910T>G (p.L304V) alteration is located in exon 6 (coding exon 5) of the CTNNB1 gene. This alteration results from a T to G substitution at nucleotide position 910, causing the leucine (L) at amino acid position 304 to be replaced by a valine (V). This variant was not reported in population-based cohorts in the Genome Aggregation Database (gnomAD). This amino acid position is highly conserved in available vertebrate species. This missense alteration is located in a region that has a low rate of benign missense variation (Lek, 2016; Firth, 2009). This alteration is predicted to be deleterious by in silico analysis. Based on insufficient or conflicting evidence, the clinical significance of this alteration remains unclear.